The following is an entry in ClinVar:

ClinVar aggregate classification (germline): Conflicting classifications of pathogenicity. Review status: criteria provided, conflicting classifications (1 of 4 stars). 5 submissions from 5 submitters: Uncertain significance (3); Likely benign (1). 1 of the submissions does not count toward it. Last evaluated 2026-01-31.

Conditions:
Mucopolysaccharidosis, MPS-II (MPS2). Also called: Attenuated MPS (subtype; formerly known as mild MPS II); Severe MPS II; I2S deficiency; MPS 2; Hunter Syndrome; IDURONATE 2-SULFATASE DEFICIENCY. Identifiers: Orphanet 580, Orphanet 79388, MedGen C0026705, MONDO:0010674, OMIM 309900.
Mucopolysaccharidosis, MPS-III-A (MPS3A). Also called: Mucopolysaccharidosis, type IIIA; MPS IIIA (Sanfilippo Syndrome Type A); MPS III A; SANFILIPPO SYNDROME A; SULFAMIDASE DEFICIENCY; Mucopolysaccharidosis type IIIA (Sanfilippo A). Identifiers: Orphanet 581, Orphanet 79269, MedGen C0086647, MONDO:0009655, OMIM 252900.
Inborn genetic diseases. Identifiers: MedGen C0950123, MeSH D030342.

Allele frequency attached by ClinVar (database versions not stated): gnomAD 0.00008; ESP Exome Variant Server 0.00009; TOPMed 0.00005.

Submissions (5):

Labcorp Genetics (formerly Invitae), Labcorp
Classification: Likely benign for Mucopolysaccharidosis, MPS-II. Last evaluated: 2026-01-31. Review status: criteria provided, single submitter. Criteria: Invitae Variant Classification Sherloc (09022015). Collection method: clinical testing. Allele origin: germline.

Genome-Nilou Lab
Classification: Uncertain significance for Mucopolysaccharidosis, MPS-II. Last evaluated: 2021-09-05. Review status: criteria provided, single submitter. Criteria: ACMG Guidelines, 2015. Collection method: clinical testing. Allele origin: germline. Affected: no.

Daryl Scott Lab, Baylor College of Medicine
Classification: Uncertain significance for Mucopolysaccharidosis, MPS-II. Last evaluated: 2020-11-11. Review status: criteria provided, single submitter. Criteria: ACMG Guidelines, 2015. Collection method: clinical testing. Allele origin: maternal. Observed: 1 variant allele.

Ambry Genetics
Classification: Uncertain significance for Inborn genetic diseases. Last evaluated: 2015-03-26. Review status: criteria provided, single submitter. Criteria: Ambry Variant Classification Scheme 2023. Collection method: clinical testing. Allele origin: germline.
Comment: The p.D382H variant (also known as c.1144G>C), located in coding exon 8 of the IDS gene, results from a G to C substitution at nucleotide position 1144. The aspartic acid at codon 382 is replaced by histidine, an amino acid with similar properties. This variant has been detected in conjunction with a pathogenic mutation in GRIA3 gene by our laboratory. This variant was previously reported in the SNPDatabase as rs370125505. Based on data from the NHLBI Exome Sequencing Project (ESP), the C allele was absent out of 2443 total male alleles studied. This amino acid position is well conserved in available vertebrate species. In addition, this alteration is predicted to be deleterious by in silico analysis. Since supporting evidence is limited at this time, the clinical significance of this variant remains unclear.

Natera, Inc.
Classification: Uncertain significance for Mucopolysaccharidosis type IIIA. Last evaluated: 2019-10-28. Review status: no assertion criteria provided. Collection method: clinical testing. Allele origin: germline. Not counted in ClinVar's aggregate classification.

Literature cited by the submitters: PubMed 33461977 (cited by Daryl Scott Lab, Baylor College of Medicine).

NM_000202.8(IDS):c.1144G>C (p.Asp382His)

Genes: IDS (iduronate 2-sulfatase; minus strand), LOC106050102 (IDS recombination region; plus strand). Cytogenetic location: Xq28.
Variant type: single nucleotide variant.
Coding change: c.1144G>C on transcript NM_000202.8 (MANE Select); coding-DNA position 1144, G replaced by C.
Protein change: p.Asp382His; replaces aspartic acid 382 with histidine.
Molecular consequence: missense variant.
Genome position (GRCh38, 1-based): chrX:149,486,961, C>G on the plus strand (G>C on the coding strand, the complement: IDS is on the minus strand). VCF-style: chrX-149486961-C-G. GRCh37 (hg19) VCF-style: chrX-148568492-C-G.
Other names: c.874G>C, p.Asp292His (NM_001166550.4); c.1144G>C (NM_000202.5); short protein forms D382H, D292H.
Identifiers: ClinVar variation 568588 (VCV000568588.10), dbSNP rs370125505, ClinGen allele CA10537492.